The following is an entry in ClinVar:

ClinVar aggregate classification (germline): Conflicting classifications of pathogenicity. Review status: criteria provided, conflicting classifications (1 of 4 stars). 2 submissions from 2 submitters: Uncertain significance (1); Benign (1). Last evaluated 2023-12-21.

Conditions:
Rubinstein-Taybi syndrome (RSTS). Identifiers: Orphanet 783, MedGen C0035934, MONDO:0019188.
CREBBP-related disorder. Also called: CREBBP-related condition; CREBBP-related disorders.

Allele frequency attached by ClinVar (database versions not stated): gnomAD 0.00001.
gnomAD v4.1: 14 of 1,584,254 alleles (0.00088%); highest among the groups gnomAD compares: East Asian, 0.0092%; no homozygotes.

Submissions (2):

Labcorp Genetics (formerly Invitae), Labcorp
Classification: Benign for Rubinstein-Taybi syndrome. Last evaluated: 2023-12-21. Review status: criteria provided, single submitter. Criteria: Invitae Variant Classification Sherloc (09022015). Collection method: clinical testing. Allele origin: germline.

PreventionGenetics, part of Exact Sciences
Classification: Uncertain significance for CREBBP-related condition. Last evaluated: 2023-05-04. Review status: criteria provided, single submitter. Criteria: ACMG Guidelines, 2015. Collection method: clinical testing. Allele origin: germline.
Comment: The CREBBP c.5972C>T variant is predicted to result in the amino acid substitution p.Pro1991Leu. To our knowledge, this variant has not been reported in the literature. This variant is reported in 0.018% of alleles in individuals of East Asian descent in gnomAD. At this time, the clinical significance of this variant is uncertain due to the absence of conclusive functional and genetic evidence.

NM_004380.3(CREBBP):c.5972C>T (p.Pro1991Leu)

Gene: CREBBP (CREB binding lysine acetyltransferase; minus strand). Cytogenetic location: 16p13.3.
Variant type: single nucleotide variant.
Coding change: c.5972C>T on transcript NM_004380.3 (MANE Select); coding-DNA position 5972, C replaced by T.
Protein change: p.Pro1991Leu; replaces proline 1991 with leucine.
Molecular consequence: missense variant.
Genome position (GRCh38, 1-based): chr16:3,729,075, G>A on the plus strand (C>T on the coding strand, the complement: CREBBP is on the minus strand). VCF-style: chr16-3729075-G-A. GRCh37 (hg19) VCF-style: chr16-3779076-G-A.
Other names: c.5858C>T, p.Pro1953Leu (NM_001079846.1); short protein forms P1953L, P1991L.
Identifiers: ClinVar variation 2635061 (VCV002635061.4), dbSNP rs776500881, ClinGen allele CA7869208.